The following is an entry in ClinVar:

NM_000334.4(SCN4A):c.483-3C>G

Gene: SCN4A (sodium voltage-gated channel alpha subunit 4; minus strand). Cytogenetic location: 17q23.3.
Variant type: single nucleotide variant.
Coding change: c.483-3C>G on transcript NM_000334.4 (MANE Select); 3 bases into the intron before coding-DNA position 483, C replaced by G.
Molecular consequence: intron variant.
Genome position (GRCh38, 1-based): chr17:63,971,853, G>C on the plus strand (C>G on the coding strand, the complement: SCN4A is on the minus strand). VCF-style: chr17-63971853-G-C. GRCh37 (hg19) VCF-style: chr17-62049213-G-C.
Identifiers: ClinVar variation 639733 (VCV000639733.15), dbSNP rs759754258, ClinGen allele CA292972707.

ClinVar aggregate classification (germline): Uncertain significance. Review status: criteria provided, multiple submitters, no conflicts (2 of 4 stars). 3 submissions from 3 submitters: Uncertain significance (3). Last evaluated 2025-10-02.

Conditions:
SCN4A-related myopathy, autosomal recessive. Identifiers: MedGen CN294783, MONDO:0100121.
Potassium-aggravated myotonia. Also called: MYOTONIA CONGENITA, ACETAZOLAMIDE-RESPONSIVE; MYOTONIA CONGENITA, ATYPICAL; SODIUM CHANNEL MUSCLE DISEASE; Myotonia congenita, atypical, acetazolamide-responsive. Identifiers: Orphanet 612, Orphanet 99734, Orphanet 99735, Orphanet 99736, MedGen C2931826, MONDO:0018959, OMIM 608390.
Hypokalemic periodic paralysis, type 2 (HOKPP2). Identifiers: Orphanet 681, MedGen C2750061, MONDO:0013234, OMIM 613345.
Paramyotonia congenita of Von Eulenburg. Also called: PARALYSIS PERIODICA PARAMYOTONICA; Paramyotonia Congenita; Eulenburg disease; Myotonia congenita intermittens; Von Eulenburg paramyotonia congenita. Identifiers: Orphanet 684, MedGen C0221055, MONDO:0008195, OMIM 168300. Disease mechanism: loss of function.
Hyperkalemic periodic paralysis. Also called: Familial hyperkalemic periodic paralysis; Gamstorp disease. Identifiers: Orphanet 682, MedGen C0238357, MONDO:0008224, OMIM 170500, HP:0007215.
Congenital myasthenic syndrome 16. Identifiers: Orphanet 590, MedGen C3280112, MONDO:0013620, OMIM 614198.
Congenital myopathy 22A, classic (CMYO22A). Identifiers: MedGen C5830453, MONDO:0957247, OMIM 620351.
Congenital myopathy 22B, severe fetal (CMYO22B). Identifiers: MedGen C5830501, MONDO:0957265, OMIM 620369.

Allele frequency attached by ClinVar (database versions not stated): TOPMed 0.00002.
gnomAD v4.1: 23 of 1,516,092 alleles (0.0015%); highest among the groups gnomAD compares: African/African-American, 0.0048%; no homozygotes.

Submissions (3):

Labcorp Genetics (formerly Invitae), Labcorp
Classification: Uncertain significance for Hyperkalemic periodic paralysis. Last evaluated: 2025-10-02. Review status: criteria provided, single submitter. Criteria: Invitae Variant Classification Sherloc (09022015). Collection method: clinical testing. Allele origin: germline.
Comment: This sequence change falls in intron 3 of the SCN4A gene. It does not directly change the encoded amino acid sequence of the SCN4A protein. It affects a nucleotide within the consensus splice site. This variant is present in population databases (no rsID available, gnomAD 0.006%). This variant has not been reported in the literature in individuals affected with SCN4A-related conditions. ClinVar contains an entry for this variant (Variation ID: 639733). Variants that disrupt the consensus splice site are a relatively common cause of aberrant splicing (PMID: 17576681, 9536098). Algorithms developed to predict the effect of sequence changes on RNA splicing suggest that this variant may disrupt the consensus splice site. In summary, the available evidence is currently insufficient to determine the role of this variant in disease. Therefore, it has been classified as a Variant of Uncertain Significance.

Fulgent Genetics
Classification: Uncertain significance for Paramyotonia congenita of Von Eulenburg; Hyperkalemic periodic paralysis; Potassium-aggravated myotonia; Hypokalemic periodic paralysis, type 2; Congenital myasthenic syndrome 16; Congenital myopathy 22A, classic; Congenital myopathy 22B, severe fetal. Last evaluated: 2024-04-26. Review status: criteria provided, single submitter. Criteria: ACMG Guidelines, 2015. Collection method: clinical testing. Allele origin: germline.

Illumina Laboratory Services, Illumina
Classification: Uncertain significance for SCN4A-related myopathy, autosomal recessive. Last evaluated: 2021-07-01. Review status: criteria provided, single submitter. Criteria: ICSLVariantClassificationCriteria RUGD 01 April 2020. Collection method: clinical testing. Allele origin: unknown.
Comment: The SCN4A c.483-3C>G variant is a splice region variant. A literature search was performed for the gene and cDNA change. No publications were found based on this search. The variant is reported at a frequency of 0.000026 in the Total population of the Genome Aggregation Database (version 3.1.1) in a region of good sequence coverage. In silico tools predict this variant may result in a new cryptic splice but this prediction has not been confirmed experimentally. Based on the limited evidence, the c.483-3C>G variant is classified as a variant of uncertain significance for SCN4A-related myopathy.

Literature cited by the submitters: PubMed 17576681 (cited by Labcorp Genetics (formerly Invitae), Labcorp); PubMed 9536098 (cited by Labcorp Genetics (formerly Invitae), Labcorp); PubMed 23589580 (cited by Illumina Laboratory Services, Illumina); PubMed 25483584 (cited by Illumina Laboratory Services, Illumina).